The following is an entry in ClinVar:

ClinVar aggregate classification (germline): Uncertain significance (1 of 4 stars; one submission).

Allele frequency attached by ClinVar (database versions not stated): gnomAD exomes below 0.00001.

Submission:

Labcorp Genetics (formerly Invitae), Labcorp
Classification: Uncertain significance. Last evaluated: 2024-02-17. Review status: criteria provided, single submitter. Criteria: Invitae Variant Classification Sherloc (09022015). Collection method: clinical testing. Allele origin: germline.
Comment: This sequence change replaces aspartic acid, which is acidic and polar, with valine, which is neutral and non-polar, at codon 724 of the SI protein (p.Asp724Val). This variant is not present in population databases (gnomAD no frequency). This variant has not been reported in the literature in individuals affected with SI-related conditions. ClinVar contains an entry for this variant (Variation ID: 1395505). Advanced modeling of protein sequence and biophysical properties (such as structural, functional, and spatial information, amino acid conservation, physicochemical variation, residue mobility, and thermodynamic stability) has been performed at Invitae for this missense variant, however the output from this modeling did not meet the statistical confidence thresholds required to predict the impact of this variant on SI protein function. In summary, the available evidence is currently insufficient to determine the role of this variant in disease. Therefore, it has been classified as a Variant of Uncertain Significance.

NM_001041.4(SI):c.2171A>T (p.Asp724Val)

Gene: SI (sucrase-isomaltase; minus strand). Cytogenetic location: 3q26.1.
Variant type: single nucleotide variant.
Coding change: c.2171A>T on transcript NM_001041.4 (MANE Select); coding-DNA position 2171, A replaced by T.
Protein change: p.Asp724Val; replaces aspartic acid 724 with valine.
Molecular consequence: missense variant.
Genome position (GRCh38, 1-based): chr3:165,039,960, T>A on the plus strand (A>T on the coding strand, the complement: SI is on the minus strand). VCF-style: chr3-165039960-T-A. GRCh37 (hg19) VCF-style: chr3-164757748-T-A.
Other names: short protein forms D724V.
Identifiers: ClinVar variation 1395505 (VCV001395505.6), dbSNP rs2108217236, ClinGen allele CA355049575.